The following is an entry in ClinVar:

ClinVar aggregate classification (germline): Conflicting classifications of pathogenicity. Review status: criteria provided, conflicting classifications (1 of 4 stars). 2 submissions from 2 submitters: Uncertain significance (1); Likely benign (1). Last evaluated 2026-07-25.

Allele frequency attached by ClinVar (database versions not stated): ExAC 0.00001; gnomAD 0.00001; gnomAD exomes below 0.00001.
gnomAD v4.1: 12 of 1,613,544 alleles (0.00074%); highest among the groups gnomAD compares: Non-Finnish European, 0.001%; no homozygotes.

Submissions (2):

GeneDx
Classification: Uncertain significance. Last evaluated: 2026-07-25. Review status: criteria provided, single submitter. Criteria: GeneDx Variant Classification Process June 2021. Collection method: clinical testing. Allele origin: germline.
Comment: In silico analysis suggests that this missense variant does not alter protein structure/function; Occurs in the triple helical domain at the Y position in the canonical Gly-X-Y repeat; although this variant may have an effect on normal protein folding and function, missense substitution at the Y position is not a common mechanism of disease (HGMD); Has not been previously published as pathogenic or benign to our knowledge

Labcorp Genetics (formerly Invitae), Labcorp
Classification: Likely benign. Last evaluated: 2023-07-28. Review status: criteria provided, single submitter. Criteria: Invitae Variant Classification Sherloc (09022015). Collection method: clinical testing. Allele origin: germline.

NM_001844.5(COL2A1):c.2309T>G (p.Val770Gly)

Gene: COL2A1 (collagen type II alpha 1 chain; minus strand). Cytogenetic location: 12q13.11.
Variant type: single nucleotide variant.
Coding change: c.2309T>G on transcript NM_001844.5 (MANE Select); coding-DNA position 2309, T replaced by G.
Protein change: p.Val770Gly; replaces valine 770 with glycine.
Molecular consequence: missense variant.
Genome position (GRCh38, 1-based): chr12:47,982,153, A>C on the plus strand (T>G on the coding strand, the complement: COL2A1 is on the minus strand). VCF-style: chr12-47982153-A-C. GRCh37 (hg19) VCF-style: chr12-48375936-A-C.
Other names: c.2102T>G, p.Val701Gly (NM_033150.3); short protein forms V770G, V701G.
Identifiers: ClinVar variation 1037085 (VCV001037085.9), dbSNP rs767686686, ClinGen allele CA6535143.